The following is an entry in ClinVar:

NM_201384.3(PLEC):c.6935_6949del (p.Leu2312_Met2316del)

Gene: PLEC (plectin; minus strand). Cytogenetic location: 8q24.3.
Variant type: Deletion.
Coding change: c.6935_6949del on transcript NM_201384.3 (MANE Select); coding-DNA positions 6935 to 6949, 15 bases deleted (TCAAGGAGAAGATGC).
Protein change: p.Leu2312_Met2316del.
Molecular consequence: intron variant (on NM_001410941.1).
Genome position (GRCh38, 1-based): chr8:143,922,980-143,922,994, GCATCTTCTCCTTGA deleted on the plus strand (TCAAGGAGAAGATGC on the coding strand, the reverse complement: PLEC is on the minus strand); deleting any 15 consecutive bases within chr8:143,922,980-143,923,004 gives the same sequence; the c. name uses the placement nearest the transcript's 3' end. VCF-style (leftmost placement, unchanged base first): chr8-143922979-TGCATCTTCTCCTTGA-T. GRCh37 (hg19) VCF-style: chr8-144997147-TGCATCTTCTCCTTGA-T.
Other names: c.7016_7030del, p.Leu2339_Met2343del (NM_000445.5); c.6893_6907del, p.Leu2298_Met2302del (NM_201378.4); c.6869_6883del, p.Leu2290_Met2294del (NM_201379.3); c.7346_7360del, p.Leu2449_Met2453del (NM_201380.4); c.6839_6853del, p.Leu2280_Met2284del (NM_201381.3); c.6935_6949del, p.Leu2312_Met2316del (NM_201382.4); c.6947_6961del, p.Leu2316_Met2320del (NM_201383.3); c.4126-599_4126-585del (NM_001410941.1).
Identifiers: ClinVar variation 4791443 (VCV004791443.1).

ClinVar aggregate classification (germline): Uncertain significance (1 of 4 stars; one submission).

Conditions:
Epidermolysis bullosa simplex with nail dystrophy (EBS5D). Identifiers: MedGen C4225309, MONDO:0014661, OMIM 616487.
Epidermolysis bullosa simplex, Ogna type (EBS5A). Also called: EPIDERMOLYSIS BULLOSA SIMPLEX 5A, OGNA TYPE; Pidermolysis bullosa simplex 5A, Ogna type. Identifiers: Orphanet 79401, MedGen C0432317, MONDO:0007555, OMIM 131950.
Autosomal recessive limb-girdle muscular dystrophy type 2Q (LGMDR17). Also called: MUSCULAR DYSTROPHY, LIMB-GIRDLE, AUTOSOMAL RECESSIVE 17. Identifiers: Orphanet 254361, MedGen C3150989, MONDO:0013390, OMIM 613723.
Epidermolysis bullosa simplex 5B, with muscular dystrophy (EBS5B). Also called: EPIDERMOLYSIS BULLOSA SIMPLEX AND LIMB-GIRDLE MUSCULAR DYSTROPHY; Epidermolysis bullosa simplex with muscular dystrophy. Identifiers: Orphanet 257, MedGen C2931072, MONDO:0009181, OMIM 226670.
Epidermolysis bullosa simplex 5C, with pyloric atresia (EBS5C). Also called: PLEC-Related Epidermolysis Bullosa with Pyloric Atresia; Epidermolysis bullosa simplex with pyloric atresia; PLEC1-Related Epidermolysis Bullosa with Pyloric Atresia. Identifiers: Orphanet 158684, MedGen C2677349, MONDO:0012807, OMIM 612138.

Submission:

Labcorp Genetics (formerly Invitae), Labcorp
Classification: Uncertain significance for Autosomal recessive limb-girdle muscular dystrophy type 2Q; Epidermolysis bullosa simplex, Ogna type; Epidermolysis bullosa simplex with nail dystrophy; Epidermolysis bullosa simplex 5C, with pyloric atresia; Epidermolysis bullosa simplex 5B, with muscular dystrophy. Last evaluated: 2025-11-03. Review status: criteria provided, single submitter. Criteria: Invitae Variant Classification Sherloc (09022015). Collection method: clinical testing. Allele origin: germline.
Comment: This variant, c.7016_7030del, results in the deletion of 5 amino acid(s) of the PLEC protein (p.Leu2339_Met2343del), but otherwise preserves the integrity of the reading frame. This variant is present in population databases (no rsID available, gnomAD 0.003%). This variant has not been reported in the literature in individuals affected with PLEC-related conditions. Experimental studies and prediction algorithms are not available or were not evaluated, and the functional significance of this variant is currently unknown. In summary, the available evidence is currently insufficient to determine the role of this variant in disease. Therefore, it has been classified as a Variant of Uncertain Significance.